The following is an entry in ClinVar:

ClinVar aggregate classification (germline): Uncertain significance (1 of 4 stars; one submission).

Submission:

GeneDx
Classification: Uncertain significance. Last evaluated: 2024-04-02. Review status: criteria provided, single submitter. Criteria: GeneDx Variant Classification Process June 2021. Collection method: clinical testing. Allele origin: germline. Affected: yes.
Comment: Not observed at significant frequency in large population cohorts (gnomAD); In silico analysis supports that this missense variant has a deleterious effect on protein structure/function; Has not been previously published as pathogenic or benign to our knowledge; Occurs in the triple helical domain at the Y position in the canonical Gly-X-Y repeat; although this variant may have an effect on normal protein folding and function, missense substitution at the Y position is not a common mechanism of disease (HGMD)

NM_001844.5(COL2A1):c.2102G>T (p.Arg701Leu)

Gene: COL2A1 (collagen type II alpha 1 chain; minus strand). Cytogenetic location: 12q13.11.
Variant type: single nucleotide variant.
Coding change: c.2102G>T on transcript NM_001844.5 (MANE Select); coding-DNA position 2102, G replaced by T.
Protein change: p.Arg701Leu; replaces arginine 701 with leucine.
Molecular consequence: missense variant.
Genome position (GRCh38, 1-based): chr12:47,982,939, C>A on the plus strand (G>T on the coding strand, the complement: COL2A1 is on the minus strand). VCF-style: chr12-47982939-C-A. GRCh37 (hg19) VCF-style: chr12-48376722-C-A.
Other names: c.1895G>T, p.Arg632Leu (NM_033150.3); short protein forms R632L, R701L.
Identifiers: ClinVar variation 3371884 (VCV003371884.1).
Genomic context (GRCh38, chr12:47,982,939, plus strand): 5'-AGGCCACGGGGACCCTGGAGGCCCTGGGCACCGGGAGAGCCACGTTCACCTGGGAAACCT[C>A]GTTCACCCTGCGGCAGAGACACCAAGAAGTGATCAACCAACAGCAGTGGGGGAGAAGGTC-3'
Protein context (NP_001835.3, residues 691-711): APGLVGPRGE[Arg701Leu]GFPGERGSPG